The following is an entry in ClinVar:

NM_001267550.2(TTN):c.94239C>A (p.Thr31413=)

Genes: TTN (titin; minus strand), TTN-AS1 (TTN antisense RNA 1; plus strand). Cytogenetic location: 2q31.2.
Variant type: single nucleotide variant.
Coding change: c.94239C>A on transcript NM_001267550.2 (MANE Select); coding-DNA position 94239, C replaced by A.
Protein change: p.Thr31413=; no amino-acid change (threonine 31413 retained).
Molecular consequence: synonymous variant.
Genome position (GRCh38, 1-based): chr2:178,547,286, G>T on the plus strand (C>A on the coding strand, the complement: TTN is on the minus strand). VCF-style: chr2-178547286-G-T. GRCh37 (hg19) VCF-style: chr2-179412013-G-T.
Other names: c.89316C>A, p.Thr29772= (NM_001256850.1); c.67044C>A, p.Thr22348= (NM_003319.4); c.86535C>A, p.Thr28845= (NM_133378.4); c.67419C>A, p.Thr22473= (NM_133432.3); c.67620C>A, p.Thr22540= (NM_133437.4).
Identifiers: ClinVar variation 707646 (VCV000707646.37), dbSNP rs1042759526, ClinGen allele CA60972829.
Genomic context (GRCh38, chr2:178,547,286, plus strand): 5'-GTAGGGTTCTTCCCAACGAATAGACATGGCATTGGCAGACACATGGTAGACCTCAGGTCT[G>T]GTAGGAGCGCTTGGTGGGACTAAATATAAACAAAGGTATTAAGTATGAATACAATTTTAT-3'
Protein context (NP_001254479.2, residues 31403-31423): EHPFVPPSAP[Thr31413=]RPEVYHVSAN

ClinVar aggregate classification (germline): Conflicting classifications of pathogenicity. Review status: criteria provided, conflicting classifications (1 of 4 stars). 9 submissions from 5 submitters: Uncertain significance (5); Likely benign (4). Last evaluated 2026-07-01.

Conditions:
Dilated cardiomyopathy 1G (CMD1G). Identifiers: Orphanet 154, MedGen C1858763, MONDO:0011400, OMIM 604145.
Autosomal recessive limb-girdle muscular dystrophy type 2J (LGMDR10). Also called: Limb-girdle muscular dystrophy, type 2J; MUSCULAR DYSTROPHY, LIMB-GIRDLE, AUTOSOMAL RECESSIVE 10. Identifiers: Orphanet 140922, MedGen C1837342, MONDO:0012127, OMIM 608807.
Cardiovascular phenotype. Identifiers: MedGen CN230736.
Myopathy, myofibrillar, 9, with early respiratory failure (MFM9). Also called: MYOPATHY, PROXIMAL, WITH EARLY RESPIRATORY MUSCLE INVOLVEMENT; Myopathy, distal, with early respiratory failure, autosomal dominant; Hereditary myopathy with early respiratory failure; EDSTROM MYOPATHY. Identifiers: Orphanet 178464, Orphanet 34521, MedGen C1863599, MONDO:0011362, OMIM 603689.
Early-onset myopathy with fatal cardiomyopathy (CMYO5). Also called: Salih Myopathy; CONGENITAL MYOPATHY 5 WITH CARDIOMYOPATHY. Identifiers: Orphanet 289377, MedGen C2673677, MONDO:0012714, OMIM 611705. Disease mechanism: loss of function.
Tibial muscular dystrophy (TMD). Also called: UDD MYOPATHY; Tibial muscular dystrophy, tardive; Udd Distal Myopathy – Tibial Muscular Dystrophy. Identifiers: Orphanet 609, MedGen C1838244, MONDO:0010870, OMIM 600334.

Allele frequency attached by ClinVar (database versions not stated): TOPMed 0.00001.
gnomAD v4.1: 4 of 1,609,904 alleles (0.00025%); highest among the groups gnomAD compares: Middle Eastern, 0.033%; no homozygotes.

Submissions (9):

CeGaT Center for Human Genetics Tuebingen
Classification: Likely benign. Last evaluated: 2026-07-01. Review status: criteria provided, single submitter. Criteria: CeGaT Center For Human Genetics Tuebingen Variant Classification Criteria Version 2. Collection method: clinical testing. Allele origin: germline. Affected: yes. Observed: 3 variant alleles.
Comment: TTN: BP4, BP7

Labcorp Genetics (formerly Invitae), Labcorp
Classification: Likely benign for Dilated cardiomyopathy 1G; Autosomal recessive limb-girdle muscular dystrophy type 2J. Last evaluated: 2026-01-02. Review status: criteria provided, single submitter. Criteria: Invitae Variant Classification Sherloc (09022015). Collection method: clinical testing. Allele origin: germline.

Blueprint Genetics
Classification: Likely benign. Last evaluated: 2023-10-13. Review status: criteria provided, single submitter. Criteria: ACMG Guidelines, 2015. Collection method: clinical testing. Allele origin: germline.

Ambry Genetics
Classification: Likely benign for Cardiovascular phenotype. Last evaluated: 2019-10-11. Review status: criteria provided, single submitter. Criteria: Ambry Variant Classification Scheme 2023. Collection method: clinical testing. Allele origin: germline.

Illumina Laboratory Services, Illumina
Classification: Uncertain significance for Early-onset myopathy with fatal cardiomyopathy. Last evaluated: 2017-04-27. Review status: criteria provided, single submitter. Criteria: ICSL Variant Classification Criteria 13 December 2019. Collection method: clinical testing. Allele origin: germline.

Illumina Laboratory Services, Illumina
Classification: Uncertain significance for Dilated cardiomyopathy 1G. Last evaluated: 2017-04-27. Review status: criteria provided, single submitter. Criteria: ICSL Variant Classification Criteria 13 December 2019. Collection method: clinical testing. Allele origin: germline.

Illumina Laboratory Services, Illumina
Classification: Uncertain significance for Myopathy, myofibrillar, 9, with early respiratory failure. Last evaluated: 2017-04-27. Review status: criteria provided, single submitter. Criteria: ICSL Variant Classification Criteria 13 December 2019. Collection method: clinical testing. Allele origin: germline.

Illumina Laboratory Services, Illumina
Classification: Uncertain significance for Autosomal recessive limb-girdle muscular dystrophy type 2J. Last evaluated: 2017-04-27. Review status: criteria provided, single submitter. Criteria: ICSL Variant Classification Criteria 13 December 2019. Collection method: clinical testing. Allele origin: germline.

Illumina Laboratory Services, Illumina
Classification: Uncertain significance for Tibial muscular dystrophy. Last evaluated: 2017-04-27. Review status: criteria provided, single submitter. Criteria: ICSL Variant Classification Criteria 13 December 2019. Collection method: clinical testing. Allele origin: germline.